The following is an entry in ClinVar:

NM_213674.1(TPM2):c.-136T>A

Gene: TPM2 (tropomyosin 2; minus strand). Cytogenetic location: 9p13.3.
Variant type: single nucleotide variant.
Coding change: c.-136T>A on transcript NM_213674.1; 136 bases upstream of the start codon, T replaced by A.
Molecular consequence: 5 prime UTR variant.
Genome position (GRCh38, 1-based): chr9:35,689,953, A>T on the plus strand (T>A on the coding strand, the complement: TPM2 is on the minus strand). VCF-style: chr9-35689953-A-T. GRCh37 (hg19) VCF-style: chr9-35689950-A-T.
Other names: c.-136T>A (NM_003289.3).
Identifiers: ClinVar variation 670241 (VCV000670241.8), dbSNP rs3793539, ClinGen allele CA13029112.

ClinVar aggregate classification (germline): Benign. Review status: criteria provided, multiple submitters, no conflicts (2 of 4 stars). 4 submissions from 3 submitters: Benign (4). Last evaluated 2018-06-19.

Conditions:
Arthrogryposis, distal, type 1A. Also called: ARTHROGRYPOSIS MULTIPLEX CONGENITA, DISTAL, TYPE I. Identifiers: Orphanet 1146, MedGen C6022280, MONDO:0007157, OMIM 108120.
Congenital myopathy 23 (CMYO23). Also called: NEMALINE MYOPATHY 4; Nemaline myopathy 4, autosomal dominant; CAP MYOPATHY 2. Identifiers: MedGen C1836447, MONDO:0012240, OMIM 609285.

Allele frequency attached by ClinVar (database versions not stated): gnomAD 0.23669; 1000 Genomes Project 30x 0.22595; TOPMed 0.24035; 1000 Genomes Project 0.23203; gnomAD exomes 0.27908.
gnomAD v4.1: 430,011 of 1,563,712 alleles (27%); highest among the groups gnomAD compares: East Asian, 31%; 60,626 homozygotes.

Submissions (4):

GeneDx
Classification: Benign. Last evaluated: 2018-06-19. Review status: criteria provided, single submitter. Criteria: GeneDx Variant Classification (06012015). Collection method: clinical testing. Allele origin: germline. Affected: yes.
Comment: This variant is considered likely benign or benign based on one or more of the following criteria: it is a conservative change, it occurs at a poorly conserved position in the protein, it is predicted to be benign by multiple in silico algorithms, and/or has population frequency not consistent with disease.

Illumina Laboratory Services, Illumina
Classification: Benign for Arthrogryposis, distal, type 1A. Last evaluated: 2018-01-13. Review status: criteria provided, single submitter. Criteria: ICSL Variant Classification Criteria 13 December 2019. Collection method: clinical testing. Allele origin: germline.
Comment: This variant was observed in the ICSL laboratory as part of a predisposition screen in an ostensibly healthy population. It had not been previously curated by ICSL or reported in the Human Gene Mutation Database (HGMD: prior to June 1st, 2018), and was therefore a candidate for classification through an automated scoring system. Utilizing variant allele frequency, disease prevalence and penetrance estimates, and inheritance mode, an automated score was calculated to assess if this variant is too frequent to cause the disease. Based on the score and internal cut-off values, a variant classified as benign is not then subjected to further curation. The score for this variant resulted in a classification of benign for this disease.

Illumina Laboratory Services, Illumina
Classification: Benign for Congenital myopathy 23. Last evaluated: 2018-01-13. Review status: criteria provided, single submitter. Criteria: ICSL Variant Classification Criteria 13 December 2019. Collection method: clinical testing. Allele origin: germline.
Comment: the same text as in the submission from Illumina Laboratory Services, Illumina above.

Breakthrough Genomics
Classification: Benign. Review status: criteria provided, single submitter. Criteria: ACMG Guidelines, 2015. Collection method: not provided. Allele origin: germline. Inheritance: Autosomal dominant inheritance. Affected: yes.